The following is an entry in ClinVar:

ClinVar aggregate classification (germline): Conflicting classifications of pathogenicity. Review status: criteria provided, conflicting classifications (1 of 4 stars). 2 submissions from 2 submitters: Uncertain significance (1); Likely benign (1). Last evaluated 2025-07-02.

Conditions:
KMT2D-related disorder. Also called: KMT2D-Related Disorders.
Kabuki syndrome. Also called: NIIKAWA-KUROKI SYNDROME; Kabuki make-up syndrome. Identifiers: Orphanet 2322, MedGen C0796004, MONDO:0016512.

Allele frequency attached by ClinVar (database versions not stated): gnomAD exomes below 0.00001; TOPMed 0.00002; ESP Exome Variant Server 0.00008.
gnomAD v4.1: 3 of 1,611,888 alleles (0.00019%); highest among the groups gnomAD compares: Admixed American, 0.0017%; no homozygotes.

Submissions (2):

PreventionGenetics, part of Exact Sciences
Classification: Uncertain significance for KMT2D-related condition. Last evaluated: 2025-07-02. Review status: criteria provided, single submitter. Criteria: ACMG Guidelines, 2015. Collection method: clinical testing. Allele origin: germline.
Comment: The KMT2D c.3964C>T variant is predicted to result in the amino acid substitution p.Arg1322Cys. To our knowledge, this variant has not been reported in the literature. This variant is reported in 0.0029% of alleles in individuals of Latino descent in gnomAD. At this time, the clinical significance of this variant is uncertain due to the absence of conclusive functional and genetic evidence.

Labcorp Genetics (formerly Invitae), Labcorp
Classification: Likely benign for Kabuki syndrome. Last evaluated: 2024-10-12. Review status: criteria provided, single submitter. Criteria: Invitae Variant Classification Sherloc (09022015). Collection method: clinical testing. Allele origin: germline.

NM_003482.4(KMT2D):c.3964C>T (p.Arg1322Cys)

Genes: KMT2D (lysine methyltransferase 2D; minus strand), LOC126861520 (CDK7 strongly-dependent group 2 enhancer GRCh37_chr12:49442744-49443943; plus strand). Cytogenetic location: 12q13.12.
Variant type: single nucleotide variant.
Coding change: c.3964C>T on transcript NM_003482.4 (MANE Select); coding-DNA position 3964, C replaced by T.
Protein change: p.Arg1322Cys; replaces arginine 1322 with cysteine.
Molecular consequence: missense variant.
Genome position (GRCh38, 1-based): chr12:49,049,161, G>A on the plus strand (C>T on the coding strand, the complement: KMT2D is on the minus strand). VCF-style: chr12-49049161-G-A. GRCh37 (hg19) VCF-style: chr12-49442944-G-A.
Other names: short protein forms R1322C.
Identifiers: ClinVar variation 2417751 (VCV002417751.8), dbSNP rs368209841, ClinGen allele CA236615770.